The following is an entry in ClinVar:

ClinVar aggregate classification (germline): Likely pathogenic (1 of 4 stars; one submission).

Submission:

Dasa
Classification: Likely pathogenic. Last evaluated: 2024-10-09. Review status: criteria provided, single submitter. Criteria: DASA Assertion Criteria. Collection method: clinical testing. Allele origin: germline.
Comment: NM_004525.3(LRP2):c.5510del (p.Ser1837Leufs*12) is a frameshift variant in LRP2 predicted to alter the reading frame and introduce a premature termination codon and is predicted to result in an absent or altered protein product. Loss of function is an established disease mechanism for LRP2-associated disorders. Also, this variant is absent from population databases. Based on the currently available evidence, this variant is classified as likely pathogenic.

NM_004525.3(LRP2):c.5510del (p.Ser1837fs)

Gene: LRP2 (LDL receptor related protein 2; minus strand). Cytogenetic location: 2q31.1.
Variant type: Deletion.
Coding change: c.5510del on transcript NM_004525.3 (MANE Select); coding-DNA position 5510, one base deleted (C; older notation c.5510delC).
Protein change: p.Ser1837fs; shifts the reading frame from serine 1837.
Molecular consequence: frameshift variant.
Genome position (GRCh38, 1-based): chr2:169,225,338, G deleted on the plus strand (C on the coding strand, the reverse complement: LRP2 is on the minus strand). VCF-style (leftmost placement, unchanged base first): chr2-169225337-AG-A. GRCh37 (hg19) VCF-style: chr2-170081847-AG-A.
Other names: short protein forms S1837fs.
Identifiers: ClinVar variation 4880548 (VCV004880548.2).
Genomic context (GRCh38, chr2:169,225,337, plus strand): 5'-ATGTTTGTGTAAGTAGTATTATGGAATCATTACCTCGATTGACTGAGTTCTAGGATTGGT[AG>A]AATAAAGGTTTCTTGAAATCCAATCTAAGGCCAGGTTCATAGAAGGCCCCACCATAGATA-3'